The following is an entry in ClinVar:

NM_138295.5(PKD1L1):c.736A>C (p.Ser246Arg)

Gene: PKD1L1 (polycystin 1 like 1, transient receptor potential channel interacting; minus strand). Cytogenetic location: 7p12.3.
Variant type: single nucleotide variant.
Coding change: c.736A>C on transcript NM_138295.5 (MANE Select); coding-DNA position 736, A replaced by C.
Protein change: p.Ser246Arg; replaces serine 246 with arginine.
Molecular consequence: missense variant.
Genome position (GRCh38, 1-based): chr7:47,931,105, T>G on the plus strand (A>C on the coding strand, the complement: PKD1L1 is on the minus strand). VCF-style: chr7-47931105-T-G. GRCh37 (hg19) VCF-style: chr7-47970702-T-G.
Other names: short protein forms S246R.
Identifiers: ClinVar variation 4735954 (VCV004735954.1).

ClinVar aggregate classification (germline): Uncertain significance (1 of 4 stars; one submission).

Submission:

Labcorp Genetics (formerly Invitae), Labcorp
Classification: Uncertain significance. Last evaluated: 2026-01-21. Review status: criteria provided, single submitter. Criteria: Invitae Variant Classification Sherloc (09022015). Collection method: clinical testing. Allele origin: germline.
Comment: This sequence change replaces serine, which is neutral and polar, with arginine, which is basic and polar, at codon 246 of the PKD1L1 protein (p.Ser246Arg). This variant is not present in population databases (gnomAD no frequency). This variant has not been reported in the literature in individuals affected with PKD1L1-related conditions. An algorithm developed to predict the effect of missense changes on protein structure and function (PolyPhen-2) suggests that this variant is likely to be tolerated. Algorithms developed to predict the effect of sequence changes on RNA splicing suggest that this variant may disrupt the consensus splice site. In summary, the available evidence is currently insufficient to determine the role of this variant in disease. Therefore, it has been classified as a Variant of Uncertain Significance.